The following is an entry in ClinVar:

NM_198578.4(LRRK2):c.7182G>C (p.Arg2394Ser)

Gene: LRRK2 (leucine rich repeat kinase 2; plus strand). Cytogenetic location: 12q12.
Variant type: single nucleotide variant.
Coding change: c.7182G>C on transcript NM_198578.4 (MANE Select); coding-DNA position 7182, G replaced by C.
Protein change: p.Arg2394Ser; replaces arginine 2394 with serine.
Molecular consequence: missense variant.
Genome position (GRCh38, 1-based): chr12:40,364,842, G>C. VCF-style: chr12-40364842-G-C. GRCh37 (hg19) VCF-style: chr12-40758644-G-C.
Other names: short protein forms R2394S.
Identifiers: ClinVar variation 2637792 (VCV002637792.1), dbSNP rs200495404, ClinGen allele CA6514879.

ClinVar aggregate classification (germline): Uncertain significance (1 of 4 stars; one submission).

Allele frequency attached by ClinVar (database versions not stated): ExAC 0.00001.
gnomAD v4.1: 2 of 1,603,648 alleles (0.00012%); highest among the groups gnomAD compares: Non-Finnish European, 0.000085%; no homozygotes.

Submission:

Women's Health and Genetics/Laboratory Corporation of America, LabCorp
Classification: Uncertain significance. Last evaluated: 2023-10-17. Review status: criteria provided, single submitter. Criteria: LabCorp Variant Classification Summary - May 2015. Collection method: clinical testing. Allele origin: germline.
Comment: Variant summary: LRRK2 c.7182G>C (p.Arg2394Ser) results in a non-conservative amino acid change in the encoded protein sequence. Three of five in-silico tools predict a damaging effect of the variant on protein function. The variant allele was found at a frequency of 4e-06 in 248424 control chromosomes (gnomAD). The available data on variant occurrences in the general population are insufficient to allow any conclusion about variant significance. c.7182G>C has been reported in the literature among a group comprising 12 different diseases and a control group without individual phenotypic information provided (Rubio_2012). This report does not provide unequivocal conclusions about association of the variant with Parkinson Disease 8, Autosomal Dominant. To our knowledge, no experimental evidence demonstrating an impact on protein function has been reported. The following publication has been ascertained in the context of this evaluation (PMID: 22415848). No submitters have cited clinical-significance assessments for this variant to ClinVar after 2014. Based on the evidence outlined above, the variant was classified as uncertain significance.

Literature cited by the submitters: PubMed 22415848.